The following is an entry in ClinVar:

ClinVar aggregate classification (germline): Uncertain significance (1 of 4 stars; one submission).

Conditions:
Dilated cardiomyopathy 1DD (CMD1DD). Identifiers: Orphanet 154, MedGen C2750995, MONDO:0013168, OMIM 613172.

Submission:

Labcorp Genetics (formerly Invitae), Labcorp
Classification: Uncertain significance for Dilated cardiomyopathy 1DD. Last evaluated: 2025-02-02. Review status: criteria provided, single submitter. Criteria: Invitae Variant Classification Sherloc (09022015). Collection method: clinical testing. Allele origin: germline.
Comment: This sequence change replaces glutamic acid, which is acidic and polar, with glutamine, which is neutral and polar, at codon 560 of the RBM20 protein (p.Glu560Gln). This variant is not present in population databases (gnomAD no frequency). This variant has not been reported in the literature in individuals affected with RBM20-related conditions. Invitae Evidence Modeling of protein sequence and biophysical properties (such as structural, functional, and spatial information, amino acid conservation, physicochemical variation, residue mobility, and thermodynamic stability) indicates that this missense variant is not expected to disrupt RBM20 protein function with a negative predictive value of 95%. In summary, the available evidence is currently insufficient to determine the role of this variant in disease. Therefore, it has been classified as a Variant of Uncertain Significance.

NM_001134363.3(RBM20):c.1678G>C (p.Glu560Gln)

Gene: RBM20 (RNA binding motif protein 20; plus strand). Cytogenetic location: 10q25.2.
Variant type: single nucleotide variant.
Coding change: c.1678G>C on transcript NM_001134363.3 (MANE Select); coding-DNA position 1678, G replaced by C.
Protein change: p.Glu560Gln; replaces glutamic acid 560 with glutamine.
Molecular consequence: missense variant.
Genome position (GRCh38, 1-based): chr10:110,799,796, G>C. VCF-style: chr10-110799796-G-C. GRCh37 (hg19) VCF-style: chr10-112559554-G-C.
Other names: short protein forms E560Q.
Identifiers: ClinVar variation 3636966 (VCV003636966.2).